The following is an entry in ClinVar:

ClinVar aggregate classification (germline): Uncertain significance. Review status: criteria provided, multiple submitters, no conflicts (2 of 4 stars). 3 submissions from 3 submitters: Uncertain significance (3). Last evaluated 2025-05-11.

Conditions:
Hereditary cancer-predisposing syndrome. Also called: Neoplastic Syndromes, Hereditary; Hereditary neoplastic syndrome; Tumor predisposition; Hereditary Cancer Syndrome. Identifiers: Orphanet 140162, MedGen C0027672, MeSH D009386, MONDO:0015356.
Cardiovascular phenotype. Identifiers: MedGen CN230736.

Allele frequency attached by ClinVar (database versions not stated): gnomAD exomes below 0.00001.
gnomAD v4.1: 6 of 1,613,764 alleles (0.00037%); highest among the groups gnomAD compares: Non-Finnish European, 0.00051%; no homozygotes.

Submissions (3):

Labcorp Genetics (formerly Invitae), Labcorp
Classification: Uncertain significance. Last evaluated: 2025-05-11. Review status: criteria provided, single submitter. Criteria: Invitae Variant Classification Sherloc (09022015). Collection method: clinical testing. Allele origin: germline.
Comment: This sequence change replaces alanine, which is neutral and non-polar, with threonine, which is neutral and polar, at codon 694 of the LZTR1 protein (p.Ala694Thr). This variant is not present in population databases (gnomAD no frequency). This variant has not been reported in the literature in individuals affected with LZTR1-related conditions. ClinVar contains an entry for this variant (Variation ID: 2456204). Invitae Evidence Modeling of protein sequence and biophysical properties (such as structural, functional, and spatial information, amino acid conservation, physicochemical variation, residue mobility, and thermodynamic stability) indicates that this missense variant is not expected to disrupt LZTR1 protein function with a negative predictive value of 80%. In summary, the available evidence is currently insufficient to determine the role of this variant in disease. Therefore, it has been classified as a Variant of Uncertain Significance.

GeneDx
Classification: Uncertain significance. Last evaluated: 2024-08-05. Review status: criteria provided, single submitter. Criteria: GeneDx Variant Classification Process June 2021. Collection method: clinical testing. Allele origin: germline. Affected: yes.
Comment: Not observed at significant frequency in large population cohorts (gnomAD); In silico analysis supports that this missense variant has a deleterious effect on protein structure/function; Has not been previously published as pathogenic or benign to our knowledge; In silico analysis suggests this variant may impact gene splicing. In the absence of RNA/functional studies, the actual effect of this sequence change is unknown.

Ambry Genetics
Classification: Uncertain significance for Cardiovascular phenotype; Hereditary cancer-predisposing syndrome. Last evaluated: 2022-12-13. Review status: criteria provided, single submitter. Criteria: Ambry Variant Classification Scheme 2023. Collection method: clinical testing. Allele origin: germline.
Comment: The p.A694T variant (also known as c.2080G>A), located in coding exon 18 of the LZTR1 gene, results from a G to A substitution at nucleotide position 2080. The alanine at codon 694 is replaced by threonine, an amino acid with similar properties. This amino acid position is conserved. In addition, this alteration is predicted to be deleterious by in silico analysis. Since supporting evidence is limited at this time, the clinical significance of this alteration remains unclear.

NM_006767.4(LZTR1):c.2080G>A (p.Ala694Thr)

Gene: LZTR1 (leucine zipper like post translational regulator 1; plus strand). Cytogenetic location: 22q11.21.
Variant type: single nucleotide variant.
Coding change: c.2080G>A on transcript NM_006767.4 (MANE Select); coding-DNA position 2080, G replaced by A.
Protein change: p.Ala694Thr; replaces alanine 694 with threonine.
Molecular consequence: missense variant.
Genome position (GRCh38, 1-based): chr22:20,995,973, G>A. VCF-style: chr22-20995973-G-A. GRCh37 (hg19) VCF-style: chr22-21350262-G-A.
Other names: short protein forms A694T.
Identifiers: ClinVar variation 2456204 (VCV002456204.6), dbSNP rs2518624392, ClinGen allele CA410779203.
Genomic context (GRCh38, chr22:20,995,973, plus strand): 5'-GGTGTCTTCGTTCTGCTGACGGCCAGGTGCCTACCGCTCGTTGTCTGCAGCTACTTTGAA[G>A]CCATGTTCCGGTCCTTCATGCCCGAAGATGGGCAGGTGAACATCTCCATCGGGGAGATGG-3'
Protein context (NP_006758.2, residues 684-704): ILAARSSYFE[Ala694Thr]MFRSFMPEDG